The following is an entry in ClinVar:

NM_006073.4(TRDN):c.1819G>C (p.Val607Leu)

Gene: TRDN (triadin; minus strand). Cytogenetic location: 6q22.31.
Variant type: single nucleotide variant.
Coding change: c.1819G>C on transcript NM_006073.4 (MANE Select); coding-DNA position 1819, G replaced by C.
Protein change: p.Val607Leu; replaces valine 607 with leucine.
Molecular consequence: missense variant.
Genome position (GRCh38, 1-based): chr6:123,260,624, C>G on the plus strand (G>C on the coding strand, the complement: TRDN is on the minus strand). VCF-style: chr6-123260624-C-G. GRCh37 (hg19) VCF-style: chr6-123581769-C-G.
Other names: c.1819G>C (NM_006073.2); short protein forms V607L.
Identifiers: ClinVar variation 1058265 (VCV001058265.11), dbSNP rs775485689, ClinGen allele CA365563761.

ClinVar aggregate classification (germline): Uncertain significance. Review status: criteria provided, multiple submitters, no conflicts (2 of 4 stars). 2 submissions from 2 submitters: Uncertain significance (2). Last evaluated 2026-06-06.

Conditions:
Cardiovascular phenotype. Identifiers: MedGen CN230736.
Catecholaminergic polymorphic ventricular tachycardia 1. Also called: VENTRICULAR TACHYCARDIA, CATECHOLAMINERGIC POLYMORPHIC, 1, WITH OR WITHOUT ATRIAL DYSFUNCTION AND/OR DILATED CARDIOMYOPATHY; RYR2-Related Catecholaminergic Polymorphic Ventricular Tachycardia; VENTRICULAR TACHYCARDIA, STRESS-INDUCED POLYMORPHIC 1. Identifiers: Orphanet 3286, MedGen C1631597, MONDO:0011484, OMIM 604772.

Allele frequency attached by ClinVar (database versions not stated): gnomAD 0.00001.

Submissions (2):

Ambry Genetics
Classification: Uncertain significance for Cardiovascular phenotype. Last evaluated: 2026-06-06. Review status: criteria provided, single submitter. Criteria: Ambry Variant Classification Scheme 2023. Collection method: clinical testing. Allele origin: germline.
Comment: The p.V607L variant (also known as c.1819G>C), located in coding exon 34 of the TRDN gene, results from a G to C substitution at nucleotide position 1819. The valine at codon 607 is replaced by leucine, an amino acid with highly similar properties. This amino acid position is conserved. In addition, this alteration is predicted to be tolerated by in silico analysis. Based on the available evidence, the clinical significance of this variant remains unclear.

Labcorp Genetics (formerly Invitae), Labcorp
Classification: Uncertain significance for Catecholaminergic polymorphic ventricular tachycardia 1. Last evaluated: 2020-10-15. Review status: criteria provided, single submitter. Criteria: Invitae Variant Classification Sherloc (09022015). Collection method: clinical testing. Allele origin: germline.
Comment: This sequence change replaces valine with leucine at codon 607 of the TRDN protein (p.Val607Leu). The valine residue is moderately conserved and there is a small physicochemical difference between valine and leucine. In summary, the available evidence is currently insufficient to determine the role of this variant in disease. Therefore, it has been classified as a Variant of Uncertain Significance. Algorithms developed to predict the effect of missense changes on protein structure and function (SIFT, PolyPhen-2, Align-GVGD) all suggest that this variant is likely to be tolerated, but these predictions have not been confirmed by published functional studies and their clinical significance is uncertain. This variant has not been reported in the literature in individuals with TRDN-related conditions. This variant is not present in population databases (ExAC no frequency).